The following is an entry in ClinVar:

NM_013275.6(ANKRD11):c.6241C>T (p.Pro2081Ser)

Gene: ANKRD11 (ankyrin repeat domain 11; minus strand). Cytogenetic location: 16q24.3.
Variant type: single nucleotide variant.
Coding change: c.6241C>T on transcript NM_013275.6 (MANE Select); coding-DNA position 6241, C replaced by T.
Protein change: p.Pro2081Ser; replaces proline 2081 with serine.
Molecular consequence: missense variant.
Genome position (GRCh38, 1-based): chr16:89,280,301, G>A on the plus strand (C>T on the coding strand, the complement: ANKRD11 is on the minus strand). VCF-style: chr16-89280301-G-A. GRCh37 (hg19) VCF-style: chr16-89346709-G-A.
Other names: c.6241C>T, p.Pro2081Ser (NM_001256182.2, NM_001256183.2); short protein forms P2081S.
Identifiers: ClinVar variation 1927275 (VCV001927275.5), dbSNP rs2034082148, ClinGen allele CA397151579.

ClinVar aggregate classification (germline): Uncertain significance (1 of 4 stars; one submission).

Conditions:
KBG syndrome (KBGS). Also called: ANKRD11-Related KBG Syndrome. Identifiers: Orphanet 2332, MedGen C0220687, MONDO:0007846, OMIM 148050.

gnomAD v4.1: 11 of 1,597,528 alleles (0.00069%); highest among the groups gnomAD compares: East Asian, 0.0022%; no homozygotes.

Submission:

Labcorp Genetics (formerly Invitae), Labcorp
Classification: Uncertain significance for KBG syndrome. Last evaluated: 2022-04-04. Review status: criteria provided, single submitter. Criteria: Invitae Variant Classification Sherloc (09022015). Collection method: clinical testing. Allele origin: germline.
Comment: This variant has not been reported in the literature in individuals affected with ANKRD11-related conditions. This sequence change replaces proline, which is neutral and non-polar, with serine, which is neutral and polar, at codon 2081 of the ANKRD11 protein (p.Pro2081Ser). This variant is not present in population databases (gnomAD no frequency). Advanced modeling of protein sequence and biophysical properties (such as structural, functional, and spatial information, amino acid conservation, physicochemical variation, residue mobility, and thermodynamic stability) performed at Invitae indicates that this missense variant is not expected to disrupt ANKRD11 protein function. In summary, the available evidence is currently insufficient to determine the role of this variant in disease. Therefore, it has been classified as a Variant of Uncertain Significance.